The following is an entry in ClinVar:

NM_004369.4(COL6A3):c.9182A>C (p.Tyr3061Ser)

Gene: COL6A3 (collagen type VI alpha 3 chain; minus strand). Cytogenetic location: 2q37.3.
Variant type: single nucleotide variant.
Coding change: c.9182A>C on transcript NM_004369.4 (MANE Select); coding-DNA position 9182, A replaced by C.
Protein change: p.Tyr3061Ser; replaces tyrosine 3061 with serine.
Molecular consequence: missense variant.
Genome position (GRCh38, 1-based): chr2:237,334,673, T>G on the plus strand (A>C on the coding strand, the complement: COL6A3 is on the minus strand). VCF-style: chr2-237334673-T-G. GRCh37 (hg19) VCF-style: chr2-238243316-T-G.
Other names: c.7361A>C, p.Tyr2454Ser (NM_057166.5); c.8564A>C, p.Tyr2855Ser (NM_057167.4); short protein forms Y2855S, Y2454S, Y3061S.
Identifiers: ClinVar variation 2057479 (VCV002057479.5), dbSNP rs1188814359, ClinGen allele CA351188153.

ClinVar aggregate classification (germline): Uncertain significance. Review status: criteria provided, multiple submitters, no conflicts (2 of 4 stars). 2 submissions from 2 submitters: Uncertain significance (2). Last evaluated 2024-08-10.

Conditions:
Inborn genetic diseases. Identifiers: MedGen C0950123, MeSH D030342.
Bethlem myopathy 1A. Also called: MYOPATHY, BENIGN CONGENITAL, WITH CONTRACTURES; Bethlem Muscular Dystrophy; Bethlem myopathy 1. Identifiers: Orphanet 610, MedGen CN029274, MONDO:0024530, OMIM 158810.

Submissions (2):

Ambry Genetics
Classification: Uncertain significance for Inborn genetic diseases. Last evaluated: 2024-08-10. Review status: criteria provided, single submitter. Criteria: Ambry Variant Classification Scheme 2023. Collection method: clinical testing. Allele origin: germline.

Labcorp Genetics (formerly Invitae), Labcorp
Classification: Uncertain significance for Bethlem myopathy 1A. Last evaluated: 2022-01-11. Review status: criteria provided, single submitter. Criteria: Invitae Variant Classification Sherloc (09022015). Collection method: clinical testing. Allele origin: germline.
Comment: This variant is present in population databases (no rsID available, gnomAD 0.0009%). This sequence change replaces tyrosine, which is neutral and polar, with serine, which is neutral and polar, at codon 3061 of the COL6A3 protein (p.Tyr3061Ser). This variant has not been reported in the literature in individuals affected with COL6A3-related conditions. Advanced modeling of protein sequence and biophysical properties (such as structural, functional, and spatial information, amino acid conservation, physicochemical variation, residue mobility, and thermodynamic stability) performed at Invitae indicates that this missense variant is not expected to disrupt COL6A3 protein function. In summary, the available evidence is currently insufficient to determine the role of this variant in disease. Therefore, it has been classified as a Variant of Uncertain Significance.